The following is an entry in ClinVar:

NM_006379.5(SEMA3C):c.493C>T (p.Arg165Cys)

Gene: SEMA3C (semaphorin 3C; minus strand). Cytogenetic location: 7q21.11.
Variant type: single nucleotide variant.
Coding change: c.493C>T on transcript NM_006379.5 (MANE Select); coding-DNA position 493, C replaced by T.
Protein change: p.Arg165Cys; replaces arginine 165 with cysteine.
Molecular consequence: missense variant.
Genome position (GRCh38, 1-based): chr7:80,810,656, G>A on the plus strand (C>T on the coding strand, the complement: SEMA3C is on the minus strand). VCF-style: chr7-80810656-G-A. GRCh37 (hg19) VCF-style: chr7-80439972-G-A.
Other names: c.547C>T, p.Arg183Cys (NM_001350120.2); c.319C>T, p.Arg107Cys (NM_001350121.2); short protein forms R107C, R165C, R183C.
Identifiers: ClinVar variation 3034933 (VCV003034933.2), dbSNP rs146671063, ClinGen allele CA4316423.

ClinVar aggregate classification (germline): Likely benign (0 of 4 stars; one submission).

Conditions:
SEMA3C-related disorder. Also called: SEMA3C-related condition.

Allele frequency attached by ClinVar (database versions not stated): ESP Exome Variant Server 0.00015; ExAC 0.00028; 1000 Genomes Project 30x 0.00031; 1000 Genomes Project 0.00040.
gnomAD v4.1: 642 of 1,613,718 alleles (0.04%); highest among the groups gnomAD compares: Non-Finnish European, 0.051%; no homozygotes.

Submission:

PreventionGenetics, part of Exact Sciences
Classification: Likely benign for SEMA3C-related condition. Last evaluated: 2022-02-10. Review status: no assertion criteria provided. Collection method: clinical testing. Allele origin: germline.
Comment: This variant is classified as likely benign based on ACMG/AMP sequence variant interpretation guidelines (Richards et al. 2015 PMID: 25741868, with internal and published modifications).